The following is an entry in ClinVar:

ClinVar aggregate classification (germline): Uncertain significance (1 of 4 stars; one submission).

Conditions:
Charcot-Marie-Tooth disease type 2. Also called: Charcot-Marie-Tooth type 2. Identifiers: Orphanet 64746, MedGen C0270914, MONDO:0018993.

Submission:

Labcorp Genetics (formerly Invitae), Labcorp
Classification: Uncertain significance for Charcot-Marie-Tooth disease type 2. Last evaluated: 2025-02-22. Review status: criteria provided, single submitter. Criteria: Invitae Variant Classification Sherloc (09022015). Collection method: clinical testing. Allele origin: germline.
Comment: This sequence change replaces serine, which is neutral and polar, with asparagine, which is neutral and polar, at codon 414 of the LMNA protein (p.Ser414Asn). This variant is not present in population databases (gnomAD no frequency). This missense change has been observed in individual(s) with dilated cardiomyopathy (internal data). ClinVar contains an entry for this variant (Variation ID: 2837601). Invitae Evidence Modeling of protein sequence and biophysical properties (such as structural, functional, and spatial information, amino acid conservation, physicochemical variation, residue mobility, and thermodynamic stability) indicates that this missense variant is expected to disrupt LMNA protein function with a positive predictive value of 95%. In summary, the available evidence is currently insufficient to determine the role of this variant in disease. Therefore, it has been classified as a Variant of Uncertain Significance.

NM_170707.4(LMNA):c.1241G>A (p.Ser414Asn)

Gene: LMNA (lamin A/C; plus strand). Cytogenetic location: 1q22.
Variant type: single nucleotide variant.
Coding change: c.1241G>A on transcript NM_170707.4 (MANE Select); coding-DNA position 1241, G replaced by A.
Protein change: p.Ser414Asn; replaces serine 414 with asparagine.
Molecular consequence: missense variant.
Genome position (GRCh38, 1-based): chr1:156,136,297, G>A. VCF-style: chr1-156136297-G-A. GRCh37 (hg19) VCF-style: chr1-156106088-G-A.
Other names: c.683G>A, p.Ser228Asn (NM_001406995.1, NM_001406996.1, NM_001406997.1 and 4 more transcripts); c.905G>A, p.Ser302Asn (NM_001406998.1, NM_001406989.1, NM_001257374.3); c.617G>A, p.Ser206Asn (NM_001406999.1, NM_001407000.1, NM_001407001.1 and 1 more transcripts); c.998G>A, p.Ser333Asn (NM_001406986.1, NM_001406987.1, NM_001282624.2); c.944G>A, p.Ser315Asn (NM_001406988.1); c.1241G>A, p.Ser414Asn (NM_001406991.1, NM_001406992.1, NM_001282625.2 and 6 more transcripts); short protein forms S414N, S302N, S206N, S228N, S315N, S333N.
Identifiers: ClinVar variation 2837601 (VCV002837601.3), dbSNP rs2527997842, ClinGen allele CA342821335.